The following is an entry in ClinVar:

NM_007294.4(BRCA1):c.4357+2128T>C

Gene: BRCA1 (BRCA1 DNA repair associated; minus strand). Cytogenetic location: 17q21.31.
Variant type: single nucleotide variant.
Coding change: c.4357+2128T>C on transcript NM_007294.4 (MANE Select); 2128 bases into the intron after coding-DNA position 4357, T replaced by C.
Molecular consequence: intron variant.
Genome position (GRCh38, 1-based): chr17:43,080,276, A>G on the plus strand (T>C on the coding strand, the complement: BRCA1 is on the minus strand). VCF-style: chr17-43080276-A-G. GRCh37 (hg19) VCF-style: chr17-41232293-A-G.
Other names: IVS 13+2128T>C; c.907+2128T>C (NM_001408458.1, NM_001408453.1, NM_001408461.1 and 7 more transcripts); c.3469+2128T>C (NM_001407967.1, NM_001407966.1); c.3976+2128T>C (NM_001407959.1, NM_001407960.1); c.4090+2128T>C (NM_001407931.1, NM_001407932.1, NM_001407935.1 and 3 more transcripts); c.4213+2128T>C (NM_001407747.1, NM_001407839.1, NM_001407745.1 and 23 more transcripts); c.3973+2128T>C (NM_001407962.1, NM_001407963.1); c.544+2128T>C (NM_001408512.1); and 61 more.
Identifiers: ClinVar variation 209402 (VCV000209402.2), dbSNP rs77008361, ClinGen allele CA276374.
Genomic context (GRCh38, chr17:43,080,276, plus strand): 5'-CACTGTGTGCTAAGCATTGTACAGGGTATTGTGAAGAATTAAGGAAGACACTGGAAGACA[A>G]CAGATATTAAGAAATAATAAACTAGGCCAGGCACCGTAGCTCCCAAGTAGGTGGGATTAC-3'

ClinVar aggregate classification (germline): Benign (3 of 4 stars; one submission).

Conditions:
Breast-ovarian cancer, familial, susceptibility to, 1 (BROVCA1). Also called: BRCA1 Hereditary Breast and Ovarian Cancer; OVARIAN CANCER, SUSCEPTIBILITY TO. Identifiers: Orphanet 145, MedGen C2676676, MONDO:0011450, OMIM 604370. Disease mechanism: loss of function.

Allele frequency attached by ClinVar (database versions not stated): gnomAD 0.00022 and 0.00033; TOPMed 0.00045; 1000 Genomes Project 30x 0.00141; 1000 Genomes Project 0.00180.
gnomAD v4.1: 50 of 152,352 alleles (0.033%); highest among the groups gnomAD compares: East Asian, 0.75%; no homozygotes.

Submission:

Evidence-based Network for the Interpretation of Germline Mutant Alleles (ENIGMA)
Classification: Benign for Breast-ovarian cancer, familial 1. Last evaluated: 2015-01-12. Review status: reviewed by expert panel. Criteria: ENIGMA BRCA1/2 Classification Criteria (2015). Collection method: curation. Allele origin: germline.
Comment: Class 1 not pathogenic based on frequency >1% in an outbred sampleset. Frequency 0.01049 (Asian), derived from 1000 genomes (2012-04-30).